The following is an entry in ClinVar:

ClinVar aggregate classification (germline): Uncertain significance (1 of 4 stars; one submission).

Conditions:
Hereditary cancer-predisposing syndrome. Also called: Tumor predisposition; Hereditary Cancer Syndrome; Hereditary neoplastic syndrome; Neoplastic Syndromes, Hereditary. Identifiers: Orphanet 140162, MedGen C0027672, MeSH D009386, MONDO:0015356.

Submission:

Ambry Genetics
Classification: Uncertain significance for Hereditary cancer-predisposing syndrome. Last evaluated: 2024-05-25. Review status: criteria provided, single submitter. Criteria: Ambry Variant Classification Scheme 2023. Collection method: clinical testing. Allele origin: germline.
Comment: The p.F769L variant (also known as c.2305T>C), located in coding exon 4 of the MSH6 gene, results from a T to C substitution at nucleotide position 2305. The phenylalanine at codon 769 is replaced by leucine, an amino acid with highly similar properties. This amino acid position is conserved. In addition, this alteration is predicted to be deleterious by in silico analysis. Based on the available evidence, the clinical significance of this variant remains unclear.

NM_000179.3(MSH6):c.2305T>C (p.Phe769Leu)

Gene: MSH6 (mutS homolog 6; plus strand). Cytogenetic location: 2p16.3.
Variant type: single nucleotide variant.
Coding change: c.2305T>C on transcript NM_000179.3 (MANE Select); coding-DNA position 2305, T replaced by C.
Protein change: p.Phe769Leu; replaces phenylalanine 769 with leucine.
Molecular consequence: missense variant. On other transcripts: non-coding transcript variant (5), intron variant (2).
Genome position (GRCh38, 1-based): chr2:47,800,288, T>C. VCF-style: chr2-47800288-T-C. GRCh37 (hg19) VCF-style: chr2-48027427-T-C.
Other names: c.1780T>C, p.Phe594Leu (NM_001406807.1, NM_001406806.1, NM_001406799.1); c.2305T>C, p.Phe769Leu (NM_001406808.1, NM_001406809.1, NM_001406803.1 and 3 more transcripts); c.1399T>C, p.Phe467Leu (NM_001406811.1, NM_001406812.1, NM_001406814.1 and 6 more transcripts); c.2311T>C, p.Phe771Leu (NM_001406813.1); c.2008T>C, p.Phe670Leu (NM_001406827.1, NM_001406830.1, NM_001406828.1 and 10 more transcripts); c.1606+699T>C (NM_001406817.1); c.628-378T>C (NM_001407362.1); c.1915T>C, p.Phe639Leu (NM_001281492.2); and 3 more; short protein forms F639L, F670L, F743L, F467L, F594L, F713L, F769L, F801L.
Identifiers: ClinVar variation 3296409 (VCV003296409.1).